The following is an entry in ClinVar:

ClinVar aggregate classification (germline): Uncertain significance. Review status: criteria provided, multiple submitters, no conflicts (2 of 4 stars). 2 submissions from 2 submitters: Uncertain significance (2). Last evaluated 2026-07-14.

Conditions:
Cardiovascular phenotype. Identifiers: MedGen CN230736.
Long QT syndrome (LQTS). Identifiers: MedGen C0023976, MeSH D008133, MONDO:0002442. Disease mechanism: loss of function. Inheritance: Various modes of inheritance.

Allele frequency attached by ClinVar (database versions not stated): gnomAD exomes below 0.00001.
gnomAD v4.1: 3 of 1,612,626 alleles (0.00019%); highest among the groups gnomAD compares: Non-Finnish European, 0.00025%; no homozygotes.

Submissions (2):

Ambry Genetics
Classification: Uncertain significance for Cardiovascular phenotype. Last evaluated: 2026-07-14. Review status: criteria provided, single submitter. Criteria: Ambry Variant Classification Scheme 2023. Collection method: clinical testing. Allele origin: germline.
Comment: The c.3976A>G (p.T1326A) alteration is located in exon 32 (coding exon 32) of the CACNA1C gene. This alteration results from a A to G substitution at nucleotide position 3976, causing the threonine (T) at amino acid position 1326 to be replaced by an alanine (A). Based on data from gnomAD, the G allele has an overall frequency of <0.001% (1/249504) total alleles studied. The highest observed frequency was <0.001% (/) of alleles. Based on insufficient or conflicting evidence, the clinical significance of this alteration remains unclear.

Labcorp Genetics (formerly Invitae), Labcorp
Classification: Uncertain significance for Long QT syndrome. Last evaluated: 2024-12-26. Review status: criteria provided, single submitter. Criteria: Invitae Variant Classification Sherloc (09022015). Collection method: clinical testing. Allele origin: germline.
Comment: This sequence change replaces threonine, which is neutral and polar, with alanine, which is neutral and non-polar, at codon 1326 of the CACNA1C protein (p.Thr1326Ala). This variant is present in population databases (no rsID available, gnomAD no frequency). This missense change has been observed in individual(s) with clinical features of long QT syndrome (internal data). ClinVar contains an entry for this variant (Variation ID: 1022989). Invitae Evidence Modeling of protein sequence and biophysical properties (such as structural, functional, and spatial information, amino acid conservation, physicochemical variation, residue mobility, and thermodynamic stability) indicates that this missense variant is expected to disrupt CACNA1C protein function with a positive predictive value of 95%. In summary, the available evidence is currently insufficient to determine the role of this variant in disease. Therefore, it has been classified as a Variant of Uncertain Significance.

NM_000719.7(CACNA1C):c.3976A>G (p.Thr1326Ala)

Gene: CACNA1C (calcium voltage-gated channel subunit alpha1 C; plus strand). Cytogenetic location: 12p13.33.
Variant type: single nucleotide variant.
Coding change: c.3976A>G on transcript NM_000719.7 (MANE Select); coding-DNA position 3976, A replaced by G.
Protein change: p.Thr1326Ala; replaces threonine 1326 with alanine.
Molecular consequence: missense variant.
Genome position (GRCh38, 1-based): chr12:2,651,670, A>G. VCF-style: chr12-2651670-A-G. GRCh37 (hg19) VCF-style: chr12-2760836-A-G.
Other names: c.4120A>G, p.Thr1374Ala (NM_001129827.2, NM_199460.4); c.4042A>G, p.Thr1348Ala (NM_001129829.2); c.3976A>G, p.Thr1326Ala (NM_001129830.3, NM_001129833.2, NM_001129834.2 and 7 more transcripts); c.4060A>G, p.Thr1354Ala (NM_001129831.2); c.4036A>G, p.Thr1346Ala (NM_001129832.2); c.4027A>G, p.Thr1343Ala (NM_001129836.2); c.3943A>G, p.Thr1315Ala (NM_001129837.2, NM_001129838.2, NM_001129846.2 and 1 more transcripts); c.3937A>G, p.Thr1313Ala (NM_001129839.2); and 2 more; short protein forms T1313A, T1315A, T1323A, T1326A, T1343A, T1346A, T1348A, T1354A.
Identifiers: ClinVar variation 1022989 (VCV001022989.11), dbSNP rs1164784884, ClinGen allele CA383373501.